The following is an entry in ClinVar:

NM_001384474.1(LOXHD1):c.1134+2T>C

Gene: LOXHD1 (lipoxygenase homology PLAT domains 1; minus strand). Cytogenetic location: 18q21.1.
Variant type: single nucleotide variant.
Coding change: c.1134+2T>C on transcript NM_001384474.1 (MANE Select); the canonical splice donor site of the intron after coding-DNA position 1134, T replaced by C.
Molecular consequence: splice donor variant.
Genome position (GRCh38, 1-based): chr18:46,601,215, A>G on the plus strand (T>C on the coding strand, the complement: LOXHD1 is on the minus strand). VCF-style: chr18-46601215-A-G. GRCh37 (hg19) VCF-style: chr18-44181178-A-G.
Other names: c.1134+2T>C (NM_144612.7).
Identifiers: ClinVar variation 944658 (VCV000944658.8), dbSNP rs1599040620, ClinGen allele CA402381450.

ClinVar aggregate classification (germline): Likely pathogenic (1 of 4 stars; one submission).

Submission:

Labcorp Genetics (formerly Invitae), Labcorp
Classification: Likely pathogenic. Last evaluated: 2019-07-30. Review status: criteria provided, single submitter. Criteria: Invitae Variant Classification Sherloc (09022015). Collection method: clinical testing. Allele origin: germline.
Comment: This sequence change affects a donor splice site in intron 8 of the LOXHD1 gene. It is expected to disrupt RNA splicing and likely results in an absent or disrupted protein product. This variant is not present in population databases (ExAC no frequency). This variant has not been reported in the literature in individuals with LOXHD1-related conditions. Algorithms developed to predict the effect of sequence changes on RNA splicing suggest that this variant may disrupt the consensus splice site, but this prediction has not been confirmed by published transcriptional studies. Donor and acceptor splice site variants typically lead to a loss of protein function (PMID: 16199547), and loss-of-function variants in LOXHD1 are known to be pathogenic (PMID: 19732867, 21465660, 25792669). In summary, the currently available evidence indicates that the variant is pathogenic, but additional data are needed to prove that conclusively. Therefore, this variant has been classified as Likely Pathogenic.

Literature cited by the submitters: PubMed 16199547; PubMed 19732867; PubMed 21465660; PubMed 25792669.